The following is an entry in ClinVar:

ClinVar aggregate classification (germline): Uncertain significance (1 of 4 stars; one submission).

Allele frequency attached by ClinVar (database versions not stated): TOPMed 0.00003 and 0.00002; gnomAD 0.00001; ExAC below 0.00001.
gnomAD v4.1: 29 of 1,562,786 alleles (0.0019%); highest among the groups gnomAD compares: Admixed American, 0.016%; no homozygotes.

Submission:

GeneDx
Classification: Uncertain significance. Last evaluated: 2015-04-13. Review status: criteria provided, single submitter. Criteria: GeneDx Variant Classification (06012015). Collection method: clinical testing. Allele origin: germline. Affected: yes.
Comment: c.45+16 G>T: IVS1+16 G>T in intron 1 of the TIMM44 gene (NM_006351.3) The c.45+16 G>T variant has not been published as a mutation, nor has it been reported as a benign polymorphism to our knowledge. Several in-silico splice prediction models predict that c.45+16 G>T creates a cryptic donor site which may supplant the natural donor site and lead to abnormal gene splicing. However, in the absence of RNA/functional studies, the actual effect of this sequence change is unknown. Therefore, based on the currently available information, it is unclear whether this variant is a pathogenic mutation or a rare benign variant. The variant is found in MITONUC-MITOP panel(s).

NM_006351.4(TIMM44):c.45+16G>T

Gene: TIMM44 (translocase of inner mitochondrial membrane 44; minus strand). Cytogenetic location: 19p13.2.
Variant type: single nucleotide variant.
Coding change: c.45+16G>T on transcript NM_006351.4 (MANE Select); 16 bases into the intron after coding-DNA position 45, G replaced by T.
Molecular consequence: intron variant.
Genome position (GRCh38, 1-based): chr19:7,943,591, C>A on the plus strand (G>T on the coding strand, the complement: TIMM44 is on the minus strand). VCF-style: chr19-7943591-C-A. GRCh37 (hg19) VCF-style: chr19-8008476-C-A.
Identifiers: ClinVar variation 215258 (VCV000215258.2), dbSNP rs768509913, ClinGen allele CA324027.
Genomic context (GRCh38, chr19:7,943,591, plus strand): 5'-CTGAGAAGAAAGCCTTGGTGGCCGAAGGCCCAGAAGACCCCTAAGCTCGCCCTGCCAGCG[C>A]CGCACCGCCGCTCACCCGTGGACAGCGGCACCAGCCACTCCGCAGGGCCGCCGCCGCCAT-3'